The following is an entry in ClinVar:

NM_003480.4(MFAP5):c.442C>T (p.Pro148Ser)

Genes: MFAP5 (microfibril associated protein 5; minus strand), LOC126861443 (BRD4-independent group 4 enhancer GRCh37_chr12:8800473-8801672; plus strand). Cytogenetic location: 12p13.31.
Variant type: single nucleotide variant.
Coding change: c.442C>T on transcript NM_003480.4 (MANE Select); coding-DNA position 442, C replaced by T.
Protein change: p.Pro148Ser; replaces proline 148 with serine.
Molecular consequence: missense variant. On other transcripts: non-coding transcript variant (2).
Genome position (GRCh38, 1-based): chr12:8,648,171, G>A on the plus strand (C>T on the coding strand, the complement: MFAP5 is on the minus strand). VCF-style: chr12-8648171-G-A. GRCh37 (hg19) VCF-style: chr12-8800767-G-A.
Other names: c.412C>T, p.Pro138Ser (NM_001297709.2); c.376C>T, p.Pro126Ser (NM_001297710.2); c.367C>T, p.Pro123Ser (NM_001297711.2); c.250C>T, p.Pro84Ser (NM_001297712.2); short protein forms P148S, P123S, P138S, P84S, P126S.
Identifiers: ClinVar variation 432223 (VCV000432223.19), dbSNP rs148770543, ClinGen allele CA6434571.

ClinVar aggregate classification (germline): Conflicting classifications of pathogenicity. Review status: criteria provided, conflicting classifications (1 of 4 stars). 6 submissions from 6 submitters: Uncertain significance (1); Likely benign (4). 1 of the submissions does not count toward it. Last evaluated 2026-01-24.

Conditions:
MFAP5-related disorder. Also called: MFAP5-related condition.
Cardiovascular phenotype. Identifiers: MedGen CN230736.

Allele frequency attached by ClinVar (database versions not stated): ESP Exome Variant Server 0.00015; gnomAD 0.00019 and 0.00027; TOPMed 0.00031; gnomAD exomes 0.00039; 1000 Genomes Project 0.00040; ExAC 0.00041; 1000 Genomes Project 30x 0.00047.
gnomAD v4.1: 630 of 1,613,794 alleles (0.039%); highest among the groups gnomAD compares: Middle Eastern, 1.8%; 8 homozygotes.

Submissions (6):

Labcorp Genetics (formerly Invitae), Labcorp
Classification: Likely benign. Last evaluated: 2026-01-24. Review status: criteria provided, single submitter. Criteria: Invitae Variant Classification Sherloc (09022015). Collection method: clinical testing. Allele origin: germline.

Women's Health and Genetics/Laboratory Corporation of America, LabCorp
Classification: Likely benign. Last evaluated: 2024-12-27. Review status: criteria provided, single submitter. Criteria: LabCorp Variant Classification Summary - May 2015. Collection method: clinical testing. Allele origin: germline.
Comment: Variant summary: MFAP5 c.442C>T (p.Pro148Ser) results in a non-conservative amino acid change in the encoded protein sequence. Three of five in-silico tools predict a damaging effect of the variant on protein function. The variant allele was found at a frequency of 0.00039 in 251226 control chromosomes. The observed variant frequency is approximately 31.53 fold of the estimated maximal expected allele frequency for a pathogenic variant in MFAP5 causing Thoracic Aortic Aneurysms And Dissections phenotype (1.3e-05). To our knowledge, no occurrence of c.442C>T in individuals affected with Thoracic Aortic Aneurysms And Dissections and no experimental evidence demonstrating its impact on protein function have been reported. ClinVar contains an entry for this variant (Variation ID: 432223). Based on the evidence outlined above, the variant was classified as likely benign.

Blueprint Genetics
Classification: Likely benign. Last evaluated: 2024-11-12. Review status: criteria provided, single submitter. Criteria: ACMG Guidelines, 2015. Collection method: clinical testing. Allele origin: germline.

Ambry Genetics
Classification: Uncertain significance for Cardiovascular phenotype. Last evaluated: 2024-08-16. Review status: criteria provided, single submitter. Criteria: Ambry Variant Classification Scheme 2023. Collection method: clinical testing. Allele origin: germline.
Comment: The p.P148S variant (also known as c.442C>T), located in coding exon 9 of the MFAP5 gene, results from a C to T substitution at nucleotide position 442. The proline at codon 148 is replaced by serine, an amino acid with similar properties. This variant was detected in an individual a disorder of sexual development who was not indicated as having aortopathy-related features (Ben Hadj Hmida I et al. Fertil. Steril., 2016 07;106:225-229.e11). This amino acid position is highly conserved in available vertebrate species. In addition, the in silico prediction for this alteration is inconclusive. Since supporting evidence is limited at this time, the clinical significance of this alteration remains unclear.

Breakthrough Genomics
Classification: Likely benign. Review status: criteria provided, single submitter. Criteria: ACMG Guidelines, 2015. Collection method: not provided. Allele origin: germline. Inheritance: Autosomal dominant inheritance. Affected: yes.

PreventionGenetics, part of Exact Sciences
Classification: Likely benign for MFAP5-related condition. Last evaluated: 2022-03-23. Review status: no assertion criteria provided. Collection method: clinical testing. Allele origin: germline. Not counted in ClinVar's aggregate classification.
Comment: This variant is classified as likely benign based on ACMG/AMP sequence variant interpretation guidelines (Richards et al. 2015 PMID: 25741868, with internal and published modifications).

Literature cited by the submitters: PubMed 27016457 (cited by Ambry Genetics).